The following is an entry in ClinVar:

ClinVar aggregate classification (germline): Uncertain significance (1 of 4 stars; one submission).

Conditions:
Bethlem myopathy 1A. Also called: MYOPATHY, BENIGN CONGENITAL, WITH CONTRACTURES; Bethlem myopathy 1; Bethlem Muscular Dystrophy. Identifiers: Orphanet 610, MedGen CN029274, MONDO:0024530, OMIM 158810.

Allele frequency attached by ClinVar (database versions not stated): TOPMed below 0.00001; gnomAD exomes 0.00001; ExAC 0.00003.
gnomAD v4.1: 7 of 1,612,778 alleles (0.00043%); highest among the groups gnomAD compares: Admixed American, 0.0067%; no homozygotes.

Submission:

Labcorp Genetics (formerly Invitae), Labcorp
Classification: Uncertain significance for Bethlem myopathy 1A. Last evaluated: 2023-06-30. Review status: criteria provided, single submitter. Criteria: Invitae Variant Classification Sherloc (09022015). Collection method: clinical testing. Allele origin: germline.
Comment: This variant is present in population databases (rs758601283, gnomAD 0.009%). This sequence change replaces glycine, which is neutral and non-polar, with serine, which is neutral and polar, at codon 343 of the COL6A2 protein (p.Gly343Ser). This variant has not been reported in the literature in individuals affected with COL6A2-related conditions. Advanced modeling of protein sequence and biophysical properties (such as structural, functional, and spatial information, amino acid conservation, physicochemical variation, residue mobility, and thermodynamic stability) performed at Invitae indicates that this missense variant is expected to disrupt COL6A2 protein function. This variant disrupts the triple helix domain of COL6A2. Glycine residues within the Gly-Xaa-Yaa repeats of the triple helix domain are required for the structure and stability of fibrillar collagens (PMID: 7695699, 8218237, 19344236). In COL6A2, missense variants at these glycine residues are significantly enriched in individuals with autosomal dominant disease (PMID: 15689448, 24038877) compared to the general population (ExAC). In summary, the available evidence is currently insufficient to determine the role of this variant in disease. Therefore, it has been classified as a Variant of Uncertain Significance.

Literature cited by the submitters: PubMed 7695699; PubMed 8218237; PubMed 19344236; PubMed 15689448; PubMed 24038877.

NM_001849.4(COL6A2):c.1027G>A (p.Gly343Ser)

Gene: COL6A2 (collagen type VI alpha 2 chain; plus strand). Cytogenetic location: 21q22.3.
Variant type: single nucleotide variant.
Coding change: c.1027G>A on transcript NM_001849.4 (MANE Select); coding-DNA position 1027, G replaced by A.
Protein change: p.Gly343Ser; replaces glycine 343 with serine.
Molecular consequence: missense variant.
Genome position (GRCh38, 1-based): chr21:46,117,427, G>A. VCF-style: chr21-46117427-G-A. GRCh37 (hg19) VCF-style: chr21-47537341-G-A.
Other names: c.1027G>A, p.Gly343Ser (NM_058174.3, NM_058175.3); short protein forms G343S.
Identifiers: ClinVar variation 2916860 (VCV002916860.3), dbSNP rs758601283, ClinGen allele CA10071636.